The following is an entry in ClinVar:

NM_003803.4(MYOM1):c.1223A>T (p.Asp408Val)

Gene: MYOM1 (myomesin 1; minus strand). Cytogenetic location: 18p11.31.
Variant type: single nucleotide variant.
Coding change: c.1223A>T on transcript NM_003803.4 (MANE Select); coding-DNA position 1223, A replaced by T.
Protein change: p.Asp408Val; replaces aspartic acid 408 with valine.
Molecular consequence: missense variant.
Genome position (GRCh38, 1-based): chr18:3,168,933, T>A on the plus strand (A>T on the coding strand, the complement: MYOM1 is on the minus strand). VCF-style: chr18-3168933-T-A. GRCh37 (hg19) VCF-style: chr18-3168931-T-A.
Other names: c.1223A>T, p.Asp408Val (NM_019856.2); short protein forms D408V.
Identifiers: ClinVar variation 2845563 (VCV002845563.3), dbSNP rs1422586387, ClinGen allele CA401715357.

ClinVar aggregate classification (germline): Uncertain significance (1 of 4 stars; one submission).

Conditions:
Hypertrophic cardiomyopathy. Also called: HYPERTROPHIC MYOCARDIOPATHY. Identifiers: Orphanet 217569, MedGen C0007194, MeSH D002312, MONDO:0005045, HP:0001639.

Submission:

Labcorp Genetics (formerly Invitae), Labcorp
Classification: Uncertain significance for Hypertrophic cardiomyopathy. Last evaluated: 2023-03-14. Review status: criteria provided, single submitter. Criteria: Invitae Variant Classification Sherloc (09022015). Collection method: clinical testing. Allele origin: germline.
Comment: In summary, the available evidence is currently insufficient to determine the role of this variant in disease. Therefore, it has been classified as a Variant of Uncertain Significance. Advanced modeling of protein sequence and biophysical properties (such as structural, functional, and spatial information, amino acid conservation, physicochemical variation, residue mobility, and thermodynamic stability) performed at Invitae indicates that this missense variant is not expected to disrupt MYOM1 protein function. This variant has not been reported in the literature in individuals affected with MYOM1-related conditions. This variant is not present in population databases (gnomAD no frequency). This sequence change replaces aspartic acid, which is acidic and polar, with valine, which is neutral and non-polar, at codon 408 of the MYOM1 protein (p.Asp408Val).